The following is an entry in ClinVar:

ClinVar aggregate classification (germline): Likely benign. Review status: criteria provided, multiple submitters, no conflicts (2 of 4 stars). 3 submissions from 3 submitters: Likely benign (2). 1 of the submissions does not count toward it. Last evaluated 2025-08-18.

Conditions:
Rubinstein-Taybi syndrome (RSTS). Identifiers: Orphanet 783, MedGen C0035934, MONDO:0019188.
Inborn genetic diseases. Identifiers: MedGen C0950123, MeSH D030342.
CREBBP-related disorder. Also called: CREBBP-related disorders; CREBBP-related condition.

Allele frequency attached by ClinVar (database versions not stated): ExAC 0.00002; gnomAD exomes 0.00003; ESP Exome Variant Server 0.00008; TOPMed 0.00009.
gnomAD v4.1: 143 of 1,614,100 alleles (0.0089%); highest among the groups gnomAD compares: Non-Finnish European, 0.011%; no homozygotes.

Submissions (3):

Labcorp Genetics (formerly Invitae), Labcorp
Classification: Likely benign for Rubinstein-Taybi syndrome. Last evaluated: 2025-08-18. Review status: criteria provided, single submitter. Criteria: Invitae Variant Classification Sherloc (09022015). Collection method: clinical testing. Allele origin: germline.

Ambry Genetics
Classification: Likely benign for Inborn genetic diseases. Last evaluated: 2017-05-30. Review status: criteria provided, single submitter. Criteria: Ambry Variant Classification Scheme 2023. Collection method: clinical testing. Allele origin: germline.

PreventionGenetics, part of Exact Sciences
Classification: Likely benign for CREBBP-related condition. Last evaluated: 2021-12-19. Review status: no assertion criteria provided. Collection method: clinical testing. Allele origin: germline. Not counted in ClinVar's aggregate classification.
Comment: This variant is classified as likely benign based on ACMG/AMP sequence variant interpretation guidelines (Richards et al. 2015 PMID: 25741868, with internal and published modifications).

NM_004380.3(CREBBP):c.675G>A (p.Pro225=)

Gene: CREBBP (CREB binding lysine acetyltransferase; minus strand). Cytogenetic location: 16p13.3.
Variant type: single nucleotide variant.
Coding change: c.675G>A on transcript NM_004380.3 (MANE Select); coding-DNA position 675, G replaced by A.
Protein change: p.Pro225=; no amino-acid change (proline 225 retained).
Molecular consequence: synonymous variant.
Genome position (GRCh38, 1-based): chr16:3,850,420, C>T on the plus strand (G>A on the coding strand, the complement: CREBBP is on the minus strand). VCF-style: chr16-3850420-C-T. GRCh37 (hg19) VCF-style: chr16-3900421-C-T.
Other names: c.675G>A, p.Pro225= (NM_001079846.1).
Identifiers: ClinVar variation 589664 (VCV000589664.12), dbSNP rs140708841, ClinGen allele CA7870635.